The following is an entry in ClinVar:

ClinVar aggregate classification (germline): Uncertain significance. Review status: criteria provided, multiple submitters, no conflicts (2 of 4 stars). 2 submissions from 2 submitters: Uncertain significance (2). Last evaluated 2026-04-28.

Conditions:
Hereditary cancer-predisposing syndrome. Also called: Tumor predisposition; Neoplastic Syndromes, Hereditary; Hereditary neoplastic syndrome; Hereditary Cancer Syndrome. Identifiers: Orphanet 140162, MedGen C0027672, MeSH D009386, MONDO:0015356.
Familial adenomatous polyposis 1 (FAP1). Also called: FAMILIAL ADENOMATOUS POLYPOSIS 1, ATTENUATED; POLYPOSIS, ADENOMATOUS INTESTINAL. Identifiers: MedGen C2713442, MONDO:0021056, OMIM 175100. Disease mechanism: loss of function.

Submissions (2):

Ambry Genetics
Classification: Uncertain significance for Hereditary cancer-predisposing syndrome. Last evaluated: 2026-04-28. Review status: criteria provided, single submitter. Criteria: Ambry Variant Classification Scheme 2023. Collection method: clinical testing. Allele origin: germline.
Comment: The p.S1774P variant (also known as c.5320T>C), located in coding exon 15 of the APC gene, results from a T to C substitution at nucleotide position 5320. The serine at codon 1774 is replaced by proline, an amino acid with similar properties. This amino acid position is conserved. In addition, in silico predictors for this gene do not accurately predict pathogenicity. Based on the available evidence, the clinical significance of this variant remains unclear.

Labcorp Genetics (formerly Invitae), Labcorp
Classification: Uncertain significance for Familial adenomatous polyposis 1. Last evaluated: 2022-09-23. Review status: criteria provided, single submitter. Criteria: Invitae Variant Classification Sherloc (09022015). Collection method: clinical testing. Allele origin: germline.
Comment: This variant has not been reported in the literature in individuals affected with APC-related conditions. In summary, the available evidence is currently insufficient to determine the role of this variant in disease. Therefore, it has been classified as a Variant of Uncertain Significance. Advanced modeling of protein sequence and biophysical properties (such as structural, functional, and spatial information, amino acid conservation, physicochemical variation, residue mobility, and thermodynamic stability) performed at Invitae indicates that this missense variant is not expected to disrupt APC protein function. ClinVar contains an entry for this variant (Variation ID: 843817). This variant is not present in population databases (gnomAD no frequency). This sequence change replaces serine, which is neutral and polar, with proline, which is neutral and non-polar, at codon 1774 of the APC protein (p.Ser1774Pro).

NM_000038.6(APC):c.5320T>C (p.Ser1774Pro)

Gene: APC (APC regulator of Wnt signaling pathway; plus strand). Cytogenetic location: 5q22.2.
Variant type: single nucleotide variant.
Coding change: c.5320T>C on transcript NM_000038.6 (MANE Select); coding-DNA position 5320, T replaced by C.
Protein change: p.Ser1774Pro; replaces serine 1774 with proline.
Molecular consequence: missense variant.
Genome position (GRCh38, 1-based): chr5:112,840,914, T>C. VCF-style: chr5-112840914-T-C. GRCh37 (hg19) VCF-style: chr5-112176611-T-C.
Other names: c.5320T>C, p.Ser1774Pro (NM_001127510.3, NM_001354895.2); c.5266T>C, p.Ser1756Pro (NM_001127511.3); c.5374T>C, p.Ser1792Pro (NM_001354896.2); c.5350T>C, p.Ser1784Pro (NM_001354897.2); c.5245T>C, p.Ser1749Pro (NM_001354898.2); c.5236T>C, p.Ser1746Pro (NM_001354899.2); c.5197T>C, p.Ser1733Pro (NM_001354900.2); c.5143T>C, p.Ser1715Pro (NM_001354901.2); and 5 more; short protein forms S1491P, S1648P, S1683P, S1749P, S1715P, S1756P, S1774P, S1784P.
Identifiers: ClinVar variation 843817 (VCV000843817.12), dbSNP rs1765924207, ClinGen allele CA16032964.